The following is an entry in ClinVar:

NM_004484.4(GPC3):c.1293A>G (p.Arg431=)

Gene: GPC3 (glypican 3; minus strand). Cytogenetic location: Xq26.2.
Variant type: single nucleotide variant.
Coding change: c.1293A>G on transcript NM_004484.4 (MANE Select); coding-DNA position 1293, A replaced by G.
Protein change: p.Arg431=; no amino-acid change (arginine 431 retained).
Molecular consequence: synonymous variant.
Genome position (GRCh38, 1-based): chrX:133,661,850, T>C on the plus strand (A>G on the coding strand, the complement: GPC3 is on the minus strand). VCF-style: chrX-133661850-T-C. GRCh37 (hg19) VCF-style: chrX-132795878-T-C.
Other names: c.1362A>G, p.Arg454= (NM_001164617.2); c.1245A>G, p.Arg415= (NM_001164618.2); c.1131A>G, p.Arg377= (NM_001164619.2).
Identifiers: ClinVar variation 2994303 (VCV002994303.11), dbSNP rs2124401911, ClinGen allele CA518635603.

ClinVar aggregate classification (germline): Conflicting classifications of pathogenicity. Review status: criteria provided, conflicting classifications (1 of 4 stars). 2 submissions from 2 submitters: Uncertain significance (1); Likely benign (1). Last evaluated 2026-01-19.

Conditions:
Wilms tumor 1 (WT1). Also called: Wilms tumor, somatic. Identifiers: Orphanet 654, MedGen CN033288, MONDO:0008679, OMIM 194070.

Submissions (2):

Labcorp Genetics (formerly Invitae), Labcorp
Classification: Uncertain significance for Wilms tumor 1. Last evaluated: 2026-01-19. Review status: criteria provided, single submitter. Criteria: Invitae Variant Classification Sherloc (09022015). Collection method: clinical testing. Allele origin: germline.
Comment: This sequence change affects codon 431 of the GPC3 mRNA. It is a 'silent' change, meaning that it does not change the encoded amino acid sequence of the GPC3 protein. It affects a nucleotide within the consensus splice site. This variant is not present in population databases (gnomAD no frequency). This variant has not been reported in the literature in individuals affected with GPC3-related conditions. ClinVar contains an entry for this variant (Variation ID: 2994303). Algorithms developed to predict the effect of sequence changes on RNA splicing suggest that this variant is not likely to affect RNA splicing. In summary, the available evidence is currently insufficient to determine the role of this variant in disease. Therefore, it has been classified as a Variant of Uncertain Significance.

CeGaT Center for Human Genetics Tuebingen
Classification: Likely benign. Last evaluated: 2025-08-01. Review status: criteria provided, single submitter. Criteria: CeGaT Center For Human Genetics Tuebingen Variant Classification Criteria Version 2. Collection method: clinical testing. Allele origin: germline. Affected: yes. Observed: 1 variant allele.
Comment: GPC3: PM2:Supporting, BP4, BP7